The following is an entry in ClinVar:

ClinVar aggregate classification (germline): Uncertain significance (1 of 4 stars; one submission).

Conditions:
Tuberous sclerosis 2 (TSC2). Identifiers: Orphanet 805, MedGen C1860707, MONDO:0013199, OMIM 613254.

Allele frequency attached by ClinVar (database versions not stated): gnomAD exomes below 0.00001.
gnomAD v4.1: 1 of 1,612,888 alleles (0.000062%); highest among the groups gnomAD compares: Non-Finnish European, 0.000085%; no homozygotes.

Submission:

Labcorp Genetics (formerly Invitae), Labcorp
Classification: Uncertain significance for Tuberous sclerosis 2. Last evaluated: 2019-12-15. Review status: criteria provided, single submitter. Criteria: Invitae Variant Classification Sherloc (09022015). Collection method: clinical testing. Allele origin: germline.
Comment: In summary, the available evidence is currently insufficient to determine the role of this variant in disease. Therefore, it has been classified as a Variant of Uncertain Significance. Algorithms developed to predict the effect of missense changes on protein structure and function output the following: SIFT: "Tolerated"; PolyPhen-2: "Benign"; Align-GVGD: "Class C0". The alanine amino acid residue is found in multiple mammalian species, suggesting that this missense change does not adversely affect protein function. These predictions have not been confirmed by published functional studies and their clinical significance is uncertain. This variant has not been reported in the literature in individuals with TSC2-related conditions. This variant is not present in population databases (ExAC no frequency). This sequence change replaces valine with alanine at codon 1139 of the TSC2 protein (p.Val1139Ala). The valine residue is moderately conserved and there is a small physicochemical difference between valine and alanine.

NM_000548.5(TSC2):c.3416T>C (p.Val1139Ala)

Gene: TSC2 (TSC complex subunit 2; plus strand). Cytogenetic location: 16p13.3.
Variant type: single nucleotide variant.
Coding change: c.3416T>C on transcript NM_000548.5 (MANE Select); coding-DNA position 3416, T replaced by C.
Protein change: p.Val1139Ala; replaces valine 1139 with alanine.
Molecular consequence: missense variant.
Genome position (GRCh38, 1-based): chr16:2,080,183, T>C. VCF-style: chr16-2080183-T-C. GRCh37 (hg19) VCF-style: chr16-2130184-T-C.
Other names: c.3284T>C, p.Val1095Ala (NM_001077183.3, NM_001370404.1); c.3416T>C, p.Val1139Ala (NM_001114382.3); c.3176T>C, p.Val1059Ala (NM_001318827.2); c.3140T>C, p.Val1047Ala (NM_001318829.2); c.2684T>C, p.Val895Ala (NM_001318831.2); c.3317T>C, p.Val1106Ala (NM_001318832.2); c.3287T>C, p.Val1096Ala (NM_001363528.2, NM_001370405.1, NM_021055.3); short protein forms V1047A, V1059A, V1096A, V1095A, V1139A, V895A, V1106A.
Identifiers: ClinVar variation 847293 (VCV000847293.10), dbSNP rs2089954332, ClinGen allele CA394288472.